The following is an entry in ClinVar:

NM_000048.4(ASL):c.309G>A (p.Thr103=)

Gene: ASL (argininosuccinate lyase; plus strand). Cytogenetic location: 7q11.21.
Variant type: single nucleotide variant.
Coding change: c.309G>A on transcript NM_000048.4 (MANE Select); coding-DNA position 309, G replaced by A.
Protein change: p.Thr103=; no amino-acid change (threonine 103 retained).
Molecular consequence: synonymous variant.
Genome position (GRCh38, 1-based): chr7:66,082,897, G>A. VCF-style: chr7-66082897-G-A. GRCh37 (hg19) VCF-style: chr7-65547884-G-A.
Other names: c.309G>A, p.Thr103= (NM_001024943.2, NM_001024944.2, NM_001024946.2).
Identifiers: ClinVar variation 389364 (VCV000389364.39), dbSNP rs142448820, ClinGen allele CA4276898.

ClinVar aggregate classification (germline): Benign/Likely benign. Review status: criteria provided, multiple submitters, no conflicts (2 of 4 stars). 4 submissions from 4 submitters: Benign (1); Likely benign (3). Last evaluated 2026-02-04.

Conditions:
Argininosuccinate lyase deficiency. Also called: ARGININOSUCCINIC ACID LYASE DEFICIENCY; ASL DEFICIENCY; Argininosuccinic aciduria. Identifiers: Orphanet 23, MedGen C0268547, MONDO:0008815, OMIM 207900, HP:0025630.

Allele frequency attached by ClinVar (database versions not stated): ExAC 0.00045; gnomAD exomes 0.00045; ESP Exome Variant Server 0.00115; gnomAD 0.00125 and 0.00129; TOPMed 0.00141; 1000 Genomes Project 30x 0.00156; 1000 Genomes Project 0.00200.

Submissions (4):

Labcorp Genetics (formerly Invitae), Labcorp
Classification: Benign for Argininosuccinate lyase deficiency. Last evaluated: 2026-02-04. Review status: criteria provided, single submitter. Criteria: Invitae Variant Classification Sherloc (09022015). Collection method: clinical testing. Allele origin: germline.

Blueprint Genetics
Classification: Likely benign. Last evaluated: 2024-08-28. Review status: criteria provided, single submitter. Criteria: ACMG Guidelines, 2015. Collection method: clinical testing. Allele origin: germline.

CeGaT Center for Human Genetics Tuebingen
Classification: Likely benign. Last evaluated: 2022-04-01. Review status: criteria provided, single submitter. Criteria: CeGaT Center For Human Genetics Tuebingen Variant Classification Criteria Version 2. Collection method: clinical testing. Allele origin: germline. Affected: yes. Observed: 1 variant allele.
Comment: ASL: BP4, BP7

GeneDx
Classification: Likely benign. Last evaluated: 2019-04-01. Review status: criteria provided, single submitter. Criteria: GeneDx Variant Classification Process June 2021. Collection method: clinical testing. Allele origin: germline. Affected: yes.